The following is an entry in ClinVar:

ClinVar aggregate classification (germline): Uncertain significance (1 of 4 stars; one submission).

Submission:

GeneDx
Classification: Uncertain significance. Last evaluated: 2026-01-15. Review status: criteria provided, single submitter. Criteria: GeneDx Variant Classification Process June 2021. Collection method: clinical testing. Allele origin: germline.
Comment: Not observed at significant frequency in large population cohorts (gnomAD); In silico analysis supports that this missense variant has a deleterious effect on protein structure/function; Has not been previously published as pathogenic or benign to our knowledge

NM_018082.6(POLR3B):c.549G>C (p.Gln183His)

Gene: POLR3B (RNA polymerase III subunit B; plus strand). Cytogenetic location: 12q23.3.
Variant type: single nucleotide variant.
Coding change: c.549G>C on transcript NM_018082.6 (MANE Select); coding-DNA position 549, G replaced by C.
Protein change: p.Gln183His; replaces glutamine 183 with histidine.
Molecular consequence: missense variant.
Genome position (GRCh38, 1-based): chr12:106,378,319, G>C. VCF-style: chr12-106378319-G-C. GRCh37 (hg19) VCF-style: chr12-106772097-G-C.
Other names: c.375G>C, p.Gln125His (NM_001160708.2); short protein forms Q125H, Q183H.
Identifiers: ClinVar variation 3364411 (VCV003364411.2).